The following is an entry in ClinVar:

ClinVar aggregate classification (germline): Uncertain significance (1 of 4 stars; one submission).

Allele frequency attached by ClinVar (database versions not stated): gnomAD exomes below 0.00001.
gnomAD v4.1: 1 of 1,613,392 alleles (0.000062%); highest among the groups gnomAD compares: Non-Finnish European, 0.000085%; no homozygotes.

Submission:

Labcorp Genetics (formerly Invitae), Labcorp
Classification: Uncertain significance. Last evaluated: 2024-01-06. Review status: criteria provided, single submitter. Criteria: Invitae Variant Classification Sherloc (09022015). Collection method: clinical testing. Allele origin: germline.
Comment: This sequence change replaces asparagine, which is neutral and polar, with serine, which is neutral and polar, at codon 505 of the HK1 protein (p.Asn505Ser). This variant is not present in population databases (gnomAD no frequency). This variant has not been reported in the literature in individuals affected with HK1-related conditions. ClinVar contains an entry for this variant (Variation ID: 1466590). Advanced modeling of protein sequence and biophysical properties (such as structural, functional, and spatial information, amino acid conservation, physicochemical variation, residue mobility, and thermodynamic stability) performed at Invitae indicates that this missense variant is not expected to disrupt HK1 protein function with a negative predictive value of 80%. In summary, the available evidence is currently insufficient to determine the role of this variant in disease. Therefore, it has been classified as a Variant of Uncertain Significance.

NM_000188.3(HK1):c.1514A>G (p.Asn505Ser)

Gene: HK1 (hexokinase 1; plus strand). Cytogenetic location: 10q22.1.
Variant type: single nucleotide variant.
Coding change: c.1514A>G on transcript NM_000188.3 (MANE Select); coding-DNA position 1514, A replaced by G.
Protein change: p.Asn505Ser; replaces asparagine 505 with serine.
Molecular consequence: missense variant.
Genome position (GRCh38, 1-based): chr10:69,382,735, A>G. VCF-style: chr10-69382735-A-G. GRCh37 (hg19) VCF-style: chr10-71142491-A-G.
Other names: c.1526A>G, p.Asn509Ser (NM_001322364.2, NM_001358263.1, NM_033497.3 and 1 more transcripts); c.1619A>G, p.Asn540Ser (NM_001322365.2); c.1430A>G, p.Asn477Ser (NM_001322366.1); c.1418A>G, p.Asn473Ser (NM_001322367.1); c.1511A>G, p.Asn504Ser (NM_033496.3); c.1478A>G, p.Asn493Ser (NM_033500.2); short protein forms N473S, N540S, N477S, N493S, N504S, N505S, N509S.
Identifiers: ClinVar variation 1466590 (VCV001466590.8), dbSNP rs2132885882, ClinGen allele CA376910164.